The following is an entry in ClinVar:

ClinVar aggregate classification (germline): Pathogenic (1 of 4 stars; one submission).

Submission:

Labcorp Genetics (formerly Invitae), Labcorp
Classification: Pathogenic. Last evaluated: 2023-06-27. Review status: criteria provided, single submitter. Criteria: Invitae Variant Classification Sherloc (09022015). Collection method: clinical testing. Allele origin: germline.
Comment: For these reasons, this variant has been classified as Pathogenic. This variant has not been reported in the literature in individuals affected with MYH3-related conditions. This variant is not present in population databases (gnomAD no frequency). This sequence change creates a premature translational stop signal (p.Leu298Hisfs*19) in the MYH3 gene. It is expected to result in an absent or disrupted protein product. Loss-of-function variants in MYH3 are known to be pathogenic (PMID: 29805041, 30008475).

Literature cited by the submitters: PubMed 29805041; PubMed 30008475.

NM_002470.4(MYH3):c.892_893insATGA (p.Leu298fs)

Gene: MYH3 (myosin heavy chain 3; minus strand). Cytogenetic location: 17p13.1.
Variant type: Insertion.
Coding change: c.892_893insATGA on transcript NM_002470.4 (MANE Select); coding-DNA positions 892 to 893, ATGA inserted.
Protein change: p.Leu298fs; shifts the reading frame from leucine 298.
Molecular consequence: frameshift variant.
Genome position: GRCh38 VCF-style: chr17-10647187-A-ATCAT. GRCh37 (hg19) VCF-style: chr17-10550504-A-ATCAT.
Other names: short protein forms L298fs.
Identifiers: ClinVar variation 2731205 (VCV002731205.3), dbSNP rs2508630786, ClinGen allele CA2697559415.